The following is an entry in ClinVar:

ClinVar aggregate classification (germline): Conflicting classifications of pathogenicity. Review status: criteria provided, conflicting classifications (1 of 4 stars). 18 submissions from 14 submitters: Uncertain significance (9); Benign (2); Likely benign (6). 1 of the submissions does not count toward it. Last evaluated 2026-05-26.

Conditions:
TTN-related disorder. Also called: TTN-related disorders; TTN-related condition; TTN-related disease.
Cardiovascular phenotype. Identifiers: MedGen CN230736.
Dilated cardiomyopathy 1G (CMD1G). Identifiers: Orphanet 154, MedGen C1858763, MONDO:0011400, OMIM 604145.
Autosomal recessive limb-girdle muscular dystrophy type 2J (LGMDR10). Also called: Limb-girdle muscular dystrophy, type 2J; MUSCULAR DYSTROPHY, LIMB-GIRDLE, AUTOSOMAL RECESSIVE 10. Identifiers: Orphanet 140922, MedGen C1837342, MONDO:0012127, OMIM 608807.
Cardiomyopathy (CMYO). Also called: Cardiomyopathies. Identifiers: Orphanet 167848, MedGen C0878544, MONDO:0004994, HP:0001638. Inheritance: Various modes of inheritance.
Myopathy, myofibrillar, 9, with early respiratory failure (MFM9). Also called: Hereditary myopathy with early respiratory failure; MYOPATHY, PROXIMAL, WITH EARLY RESPIRATORY MUSCLE INVOLVEMENT; EDSTROM MYOPATHY; Myopathy, distal, with early respiratory failure, autosomal dominant. Identifiers: Orphanet 178464, Orphanet 34521, MedGen C1863599, MONDO:0011362, OMIM 603689.
Tibial muscular dystrophy (TMD). Also called: UDD MYOPATHY; Tibial muscular dystrophy, tardive; Udd Distal Myopathy – Tibial Muscular Dystrophy. Identifiers: Orphanet 609, MedGen C1838244, MONDO:0010870, OMIM 600334.
Early-onset myopathy with fatal cardiomyopathy (CMYO5). Also called: CONGENITAL MYOPATHY 5 WITH CARDIOMYOPATHY; Salih Myopathy. Identifiers: Orphanet 289377, MedGen C2673677, MONDO:0012714, OMIM 611705. Disease mechanism: loss of function.

Allele frequency attached by ClinVar (database versions not stated): ExAC 0.00020; gnomAD exomes 0.00021 and 0.00070; gnomAD 0.00023 and 0.00026; TOPMed 0.00026; ESP Exome Variant Server 0.00085.
gnomAD v4.1: 1,051 of 1,613,700 alleles (0.065%); highest among the groups gnomAD compares: Non-Finnish European, 0.085%; 1 homozygote.

Submissions (18):

Women's Health and Genetics/Laboratory Corporation of America, LabCorp
Classification: Uncertain significance. Last evaluated: 2026-05-26. Review status: criteria provided, single submitter. Criteria: LabCorp Variant Classification Summary - May 2015. Collection method: clinical testing. Allele origin: germline.
Comment: Variant summary: TTN c.3605T>C (p.Val1202Ala) results in a non-conservative amino acid change located in the Z-disk region of the encoded protein sequence. Algorithms developed to predict the effect of missense changes on protein structure and function are either unavailable or do not agree on the potential impact of this missense change. The variant allele was found at a frequency of 0.00021 in 250870 control chromosomes, predominantly at a frequency of 0.00038 within the Non-Finnish European subpopulation in the gnomAD database. This frequency is not significantly higher than estimated for disease-causing variants in TTN, allowing no conclusion about variant significance. c.3605T>C has been observed in individuals affected with Hypertrophic Cardiomyopathy without strong evidence for causality (Lopes_2013). This report does not provide unequivocal conclusions about association of the variant with disease. To our knowledge, no experimental evidence demonstrating an impact on protein function has been reported. The following publication has been ascertained in the context of this evaluation (PMID: 23396983). ClinVar contains an entry for this variant (Variation ID: 166325). Based on the evidence outlined above, the variant was classified as uncertain significance.

PreventionGenetics, part of Exact Sciences
Classification: Likely benign for TTN-related condition. Last evaluated: 2025-07-25. Review status: criteria provided, single submitter. Criteria: ACMG Guidelines, 2015. Collection method: clinical testing. Allele origin: germline.
Comment: This variant is classified as likely benign based on ACMG/AMP sequence variant interpretation guidelines (Richards et al. 2015 PMID: 25741868, with internal and published modifications).

Molecular Diagnostic Laboratory for Inherited Cardiovascular Disease, Montreal Heart Institute
Classification: Likely benign. Last evaluated: 2025-04-09. Review status: criteria provided, single submitter. Criteria: ACMG Guidelines, 2015. Collection method: clinical testing. Allele origin: germline. Affected: no.

Blueprint Genetics
Classification: Likely benign. Last evaluated: 2024-10-17. Review status: criteria provided, single submitter. Criteria: ACMG Guidelines, 2015. Collection method: clinical testing. Allele origin: germline.

ARUP Laboratories, Molecular Genetics and Genomics, ARUP Laboratories
Classification: Uncertain significance. Last evaluated: 2024-07-05. Review status: criteria provided, single submitter. Criteria: ARUP Molecular Germline Variant Investigation Process 2024. Collection method: clinical testing. Allele origin: germline.
Comment: The TTN c.3605T>C; p.Val1202Ala variant (rs150667217; ClinVar Variation ID: 166325) is rare in the general population (<0.2% allele frequency in the Genome Aggregation Database) and has not been reported in the medical literature in association with dilated cardiomyopathy (DCM) or other TTN-related disease. The clinical relevance of rare missense variants in this gene, which are identified on average once per individual sequenced in affected populations (Herman 2012), is not well understood. Yet, evidence suggests that the vast majority of such missense variants do not contribute to the clinical outcome of DCM (Begay 2015). Thus, the clinical significance of the p.Val1202Ala variant cannot be determined with certainty.

CeGaT Center for Human Genetics Tuebingen
Classification: Uncertain significance. Last evaluated: 2024-05-01. Review status: criteria provided, single submitter. Criteria: CeGaT Center For Human Genetics Tuebingen Variant Classification Criteria Version 2. Collection method: clinical testing. Allele origin: germline. Affected: yes. Observed: 1 variant allele.
Comment: TTN: PM2, BP4

Revvity Omics, Revvity
Classification: Uncertain significance. Last evaluated: 2022-08-16. Review status: criteria provided, single submitter. Criteria: ACMG Guidelines, 2015. Collection method: clinical testing. Allele origin: germline.

CHEO Genetics Diagnostic Laboratory, Children's Hospital of Eastern Ontario
Classification: Likely benign for Cardiomyopathy. Last evaluated: 2019-09-23. Review status: criteria provided, single submitter. Criteria: ACMG Guidelines, 2015. Collection method: clinical testing. Allele origin: germline.

Ambry Genetics
Classification: Likely benign for Cardiovascular phenotype. Last evaluated: 2019-05-29. Review status: criteria provided, single submitter. Criteria: Ambry Variant Classification Scheme 2023. Collection method: clinical testing. Allele origin: germline.

Illumina Laboratory Services, Illumina
Classification: Benign for Tibial muscular dystrophy. Last evaluated: 2018-01-13. Review status: criteria provided, single submitter. Criteria: ICSL Variant Classification Criteria 13 December 2019. Collection method: clinical testing. Allele origin: germline.
Comment: This variant was observed in the ICSL laboratory as part of a predisposition screen in an ostensibly healthy population. It had not been previously curated by ICSL or reported in the Human Gene Mutation Database (HGMD: prior to June 1st, 2018), and was therefore a candidate for classification through an automated scoring system. Utilizing variant allele frequency, disease prevalence and penetrance estimates, and inheritance mode, an automated score was calculated to assess if this variant is too frequent to cause the disease. Based on the score and internal cut-off values, a variant classified as benign is not then subjected to further curation. The score for this variant resulted in a classification of benign for this disease.

Illumina Laboratory Services, Illumina
Classification: Benign for Myopathy, myofibrillar, 9, with early respiratory failure. Last evaluated: 2018-01-13. Review status: criteria provided, single submitter. Criteria: ICSL Variant Classification Criteria 13 December 2019. Collection method: clinical testing. Allele origin: germline.
Comment: the same text as in the submission from Illumina Laboratory Services, Illumina above.

Illumina Laboratory Services, Illumina
Classification: Uncertain significance for Dilated cardiomyopathy 1G. Last evaluated: 2018-01-13. Review status: criteria provided, single submitter. Criteria: ICSL Variant Classification Criteria 13 December 2019. Collection method: clinical testing. Allele origin: germline.

Illumina Laboratory Services, Illumina
Classification: Uncertain significance for Autosomal recessive limb-girdle muscular dystrophy type 2J. Last evaluated: 2018-01-13. Review status: criteria provided, single submitter. Criteria: ICSL Variant Classification Criteria 13 December 2019. Collection method: clinical testing. Allele origin: germline.

Illumina Laboratory Services, Illumina
Classification: Uncertain significance for Early-onset myopathy with fatal cardiomyopathy. Last evaluated: 2018-01-13. Review status: criteria provided, single submitter. Criteria: ICSL Variant Classification Criteria 13 December 2019. Collection method: clinical testing. Allele origin: germline.

Labcorp Genetics (formerly Invitae), Labcorp
Classification: Uncertain significance for Dilated cardiomyopathy 1G; Autosomal recessive limb-girdle muscular dystrophy type 2J. Last evaluated: 2017-10-26. Review status: criteria provided, single submitter. Criteria: Invitae Variant Classification Sherloc (09022015). Collection method: clinical testing. Allele origin: germline.

Laboratory for Molecular Medicine, Mass General Brigham Personalized Medicine
Classification: Uncertain significance. Last evaluated: 2015-03-20. Review status: criteria provided, single submitter. Criteria: LMM Criteria. Collection method: clinical testing. Allele origin: germline. Observed: 2 variant alleles.
Comment: It has been identified in 22/66680 of European chromosome s by the Exome Aggregation Consortium (ExAC; dbS NP rs150667217). Valine (Val) at position 1202 is not conserved in mammals or ev olutionarily distant species and 1 mammal (Tibetan antelope) carries an alanine (Ala) at this position, raising the possibility that this change may be tolerate d. Additional computational prediction tools do not provide strong evidence for or against an impact to the protein. In summary, the clinical significance of th e p.Val1202Ala variant is uncertain.

Biesecker Lab/Clinical Genomics Section, National Institutes of Health
Classification: Likely benign. Last evaluated: 2013-06-24. Review status: criteria provided, single submitter. Criteria: Ng et al. (Circ Cardiovasc Genet. 2013). Collection method: research. Allele origin: unknown. Observed: 1 variant allele. Study: ClinSeq.
Comment: The study set was not selected for affection status in relation to any cancer. Pathogenicity categories were based on literature curation. See Pubmed ID:23861362 for details.

Medical sequencing

GeneDx
No classification provided. Last evaluated: 2014-04-02. Review status: no classification provided. Criteria: GeneDx Variant Classification (06012015). Collection method: clinical testing. Allele origin: germline. Affected: yes. Not counted in ClinVar's aggregate classification.
Comment: Missense variants in the TTN gene are considered 'unclassified' if they are not previously reported in the literature and do not have >1% frequency in the population to be considered a polymorphism. Research indicates that truncating mutations in the TTN gene are expected to account for approximately 25% of familial and 18% of sporadic idiopathic DCM; however, truncating variants in the TTN gene have been reported in approximately 3% of reported control alleles. There has been little investigation into non-truncating variants. (Herman D et al. Truncations of titin causing dilated cardiomyopathy. N Eng J Med 366:619-628, 2012) The variant is found in CARDIOMYOPATHY panel(s).

Literature cited by the submitters: PubMed 23396983 (cited by Women's Health and Genetics/Laboratory Corporation of America, LabCorp and Ambry Genetics); PubMed 23861362 (cited by Ambry Genetics).

NM_001267550.2(TTN):c.3605T>C (p.Val1202Ala)

Gene: TTN (titin; minus strand). Cytogenetic location: 2q31.2.
Variant type: single nucleotide variant.
Coding change: c.3605T>C on transcript NM_001267550.2 (MANE Select); coding-DNA position 3605, T replaced by C.
Protein change: p.Val1202Ala; replaces valine 1202 with alanine.
Molecular consequence: missense variant.
Genome position (GRCh38, 1-based): chr2:178,780,124, A>G on the plus strand (T>C on the coding strand, the complement: TTN is on the minus strand). VCF-style: chr2-178780124-A-G. GRCh37 (hg19) VCF-style: chr2-179644851-A-G.
Other names: p.V1202A:GTT>GCT; c.3605T>C, p.Val1202Ala (NM_001256850.1, NM_133378.4, NM_133379.5); c.3467T>C, p.Val1156Ala (NM_003319.4, NM_133432.3, NM_133437.4); short protein forms V1202A, V1156A.
Identifiers: ClinVar variation 166325 (VCV000166325.42), dbSNP rs150667217, ClinGen allele CA179349.